The following is an entry in ClinVar:

NM_001024630.4(RUNX2):c.228_260dup (p.Ala79_Ala89dup)

Genes: RUNX2 (RUNX family transcription factor 2; plus strand), LOC109611589 (runt related transcription factor 2 polyalanine expansion region; plus strand). Cytogenetic location: 6p21.1.
Variant type: Duplication.
Coding change: c.228_260dup on transcript NM_001024630.4 (MANE Select); coding-DNA positions 228 to 260, 33 bases duplicated.
Protein change: p.Ala79_Ala89dup.
Molecular consequence: inframe insertion.
Genome position (GRCh38, 1-based): chr6:45,422,762-45,422,794, 33 bases duplicated; duplicating any 33 consecutive bases within chr6:45,422,751-45,422,794 gives the same sequence; the c. name uses the placement nearest the transcript's 3' end. GRCh37 (hg19): chr6:45,390,499-45,390,531.
Other names: c.228_260dup, p.Ala79_Ala89dup (NM_001015051.4); c.186_218dup, p.Ala65_Ala75dup (NM_001278478.2, NM_001369405.1).
Identifiers: ClinVar variation 1059365 (VCV001059365.9), dbSNP rs2150362354, ClinGen allele CA2499218317.

ClinVar aggregate classification (germline): Uncertain significance (1 of 4 stars; one submission).

Submission:

Labcorp Genetics (formerly Invitae), Labcorp
Classification: Uncertain significance. Last evaluated: 2025-09-01. Review status: criteria provided, single submitter. Criteria: Invitae Variant Classification Sherloc (09022015). Collection method: clinical testing. Allele origin: germline.
Comment: This variant, c.228_260dup, results in the insertion of 11 amino acid(s) of the RUNX2 protein (p.Ala79_Ala89dup), but otherwise preserves the integrity of the reading frame. This variant is not present in population databases (gnomAD no frequency). This variant has not been reported in the literature in individuals affected with RUNX2-related conditions. ClinVar contains an entry for this variant (Variation ID: 1059365). Experimental studies and prediction algorithms are not available or were not evaluated, and the functional significance of this variant is currently unknown. In summary, the available evidence is currently insufficient to determine the role of this variant in disease. Therefore, it has been classified as a Variant of Uncertain Significance.